The following is an entry in ClinVar:

ClinVar aggregate classification (germline): Benign. Review status: criteria provided, multiple submitters, no conflicts (2 of 4 stars). 2 submissions from 2 submitters: Benign (2). Last evaluated 2018-01-12.

Conditions:
Hereditary spastic paraplegia 30. Identifiers: Orphanet 101010, MedGen C5235139, MONDO:0012476.

Allele frequency attached by ClinVar (database versions not stated): gnomAD exomes 0.34554; 1000 Genomes Project 0.44629; 1000 Genomes Project 30x 0.45768; gnomAD 0.46594 and 0.47918; TOPMed 0.48961.
gnomAD v4.1: 71,111 of 152,820 alleles (47%); highest among the groups gnomAD compares: African/African-American, 69%; 18,327 homozygotes.

Submissions (2):

Illumina Laboratory Services, Illumina
Classification: Benign for Spastic paraplegia 30A, autosomal dominant. Last evaluated: 2018-01-12. Review status: criteria provided, single submitter. Criteria: ICSL Variant Classification Criteria 13 December 2019. Collection method: clinical testing. Allele origin: germline.
Comment: This variant was observed in the ICSL laboratory as part of a predisposition screen in an ostensibly healthy population. It had not been previously curated by ICSL or reported in the Human Gene Mutation Database (HGMD: prior to June 1st, 2018), and was therefore a candidate for classification through an automated scoring system. Utilizing variant allele frequency, disease prevalence and penetrance estimates, and inheritance mode, an automated score was calculated to assess if this variant is too frequent to cause the disease. Based on the score and internal cut-off values, a variant classified as benign is not then subjected to further curation. The score for this variant resulted in a classification of benign for this disease.

Breakthrough Genomics
Classification: Benign. Review status: criteria provided, single submitter. Criteria: ACMG Guidelines, 2015. Collection method: not provided. Allele origin: germline. Inheritance: Autosomal recessive inheritance. Affected: yes.

NM_001244008.2(KIF1A):c.*3494T>C

Gene: KIF1A (kinesin family member 1A; minus strand). Cytogenetic location: 2q37.3.
Variant type: single nucleotide variant.
Coding change: c.*3494T>C on transcript NM_001244008.2 (MANE Select); 3494 bases downstream of the stop codon, T replaced by C.
Molecular consequence: 3 prime UTR variant.
Genome position (GRCh38, 1-based): chr2:240,713,870, A>G on the plus strand (T>C on the coding strand, the complement: KIF1A is on the minus strand). VCF-style: chr2-240713870-A-G. GRCh37 (hg19) VCF-style: chr2-241653287-A-G.
Other names: c.*3494T>C (NM_001320705.2, NM_001330289.2, NM_001330290.2 and 20 more transcripts).
Identifiers: ClinVar variation 335210 (VCV000335210.6), dbSNP rs4613, ClinGen allele CA10612873.